The following is an entry in ClinVar:

NM_182476.3(COQ6):c.1239A>C (p.Glu413Asp)

Genes: COQ6 (coenzyme Q6, monooxygenase; plus strand), ENTPD5 (ectonucleoside triphosphate diphosphohydrolase 5; minus strand). Cytogenetic location: 14q24.3.
Variant type: single nucleotide variant.
Coding change: c.1239A>C on transcript NM_182476.3 (MANE Select); coding-DNA position 1239, A replaced by C.
Protein change: p.Glu413Asp; replaces glutamic acid 413 with aspartic acid.
Molecular consequence: missense variant. On other transcripts: intron variant (7).
Genome position (GRCh38, 1-based): chr14:73,961,765, A>C. VCF-style: chr14-73961765-A-C. GRCh37 (hg19) VCF-style: chr14-74428468-A-C.
Other names: c.1131A>C, p.Glu377Asp (NM_001425256.1); c.1074A>C, p.Glu358Asp (NM_001425257.1); c.1056A>C, p.Glu352Asp (NM_001425258.1); c.1014A>C, p.Glu338Asp (NM_001425259.1, NM_001425260.1, NM_001425261.1); c.984A>C, p.Glu328Asp (NM_001425262.1); c.912A>C, p.Glu304Asp (NM_001425263.1); c.699A>C, p.Glu233Asp (NM_001425264.1, NM_001425265.1); c.1164A>C, p.Glu388Asp (NM_182480.3); and 5 more; short protein forms E413D, E388D.
Identifiers: ClinVar variation 1918198 (VCV001918198.5), dbSNP rs750676801, ClinGen allele CA7264487.

ClinVar aggregate classification (germline): Uncertain significance. Review status: criteria provided, multiple submitters, no conflicts (2 of 4 stars). 2 submissions from 2 submitters: Uncertain significance (2). Last evaluated 2022-03-18.

Conditions:
Inborn genetic diseases. Identifiers: MedGen C0950123, MeSH D030342.

Allele frequency attached by ClinVar (database versions not stated): gnomAD exomes 0.00002; TOPMed 0.00002; ExAC 0.00001; gnomAD 0.00003.
gnomAD v4.1: 38 of 1,614,044 alleles (0.0024%); highest among the groups gnomAD compares: Non-Finnish European, 0.003%; no homozygotes.

Submissions (2):

Labcorp Genetics (formerly Invitae), Labcorp
Classification: Uncertain significance. Last evaluated: 2022-03-18. Review status: criteria provided, single submitter. Criteria: Invitae Variant Classification Sherloc (09022015). Collection method: clinical testing. Allele origin: germline.
Comment: In summary, the available evidence is currently insufficient to determine the role of this variant in disease. Therefore, it has been classified as a Variant of Uncertain Significance. Algorithms developed to predict the effect of missense changes on protein structure and function are either unavailable or do not agree on the potential impact of this missense change (SIFT: "Tolerated"; PolyPhen-2: "Probably Damaging"; Align-GVGD: "Class C0"). This variant has not been reported in the literature in individuals affected with COQ6-related conditions. This variant is present in population databases (rs750676801, gnomAD 0.004%). This sequence change replaces glutamic acid, which is acidic and polar, with aspartic acid, which is acidic and polar, at codon 413 of the COQ6 protein (p.Glu413Asp).

Ambry Genetics
Classification: Uncertain significance for Inborn genetic diseases. Last evaluated: 2021-10-28. Review status: criteria provided, single submitter. Criteria: Ambry Variant Classification Scheme 2023. Collection method: clinical testing. Allele origin: germline.